The following is an entry in ClinVar:

ClinVar aggregate classification (germline): Uncertain significance (1 of 4 stars; one submission).

Submission:

GeneDx
Classification: Uncertain significance. Last evaluated: 2022-12-05. Review status: criteria provided, single submitter. Criteria: GeneDx Variant Classification Process June 2021. Collection method: clinical testing. Allele origin: germline. Affected: yes.
Comment: Has not been previously published as pathogenic or benign to our knowledge; Not observed at significant frequency in large population cohorts (gnomAD); Although located in a calcium-binding EGF-like domain of the FBN2 gene, it does not substitute or introduce a cysteine residue (Callewaert et al., 2009; Frederic et al., 2009); In silico analysis supports that this missense variant does not alter protein structure/function

NM_001999.4(FBN2):c.7957G>A (p.Val2653Ile)

Gene: FBN2 (fibrillin 2; minus strand). Cytogenetic location: 5q23.3.
Variant type: single nucleotide variant.
Coding change: c.7957G>A on transcript NM_001999.4 (MANE Select); coding-DNA position 7957, G replaced by A.
Protein change: p.Val2653Ile; replaces valine 2653 with isoleucine.
Molecular consequence: missense variant.
Genome position (GRCh38, 1-based): chr5:128,272,002, C>T on the plus strand (G>A on the coding strand, the complement: FBN2 is on the minus strand). VCF-style: chr5-128272002-C-T. GRCh37 (hg19) VCF-style: chr5-127607694-C-T.
Other names: short protein forms V2653I.
Identifiers: ClinVar variation 2504282 (VCV002504282.1), dbSNP rs2479631701, ClinGen allele CA360751454.
Genomic context (GRCh38, chr5:128,272,002, plus strand): 5'-ATTCAGAGACACTTTCAGGTGAGAAAAGCAAGTGCGATGGAAGAAAAGAGCACTCACCGA[C>T]ACACTGATTCCACTGGTAGTGCTGGATGTAGCCTTGGGGGCAGCCACATCTGTAGCCACC-3'
Protein context (NP_001990.2, residues 2643-2663): YIQHYQWNQC[Val2653Ile]DENECSNPNA